The following is an entry in ClinVar:

ClinVar aggregate classification (germline): Uncertain significance (1 of 4 stars; one submission).

Conditions:
Inborn genetic diseases. Identifiers: MedGen C0950123, MeSH D030342.

Submission:

Ambry Genetics
Classification: Uncertain significance for Inborn genetic diseases. Last evaluated: 2025-01-13. Review status: criteria provided, single submitter. Criteria: Ambry Variant Classification Scheme 2023. Collection method: clinical testing. Allele origin: germline.
Comment: The p.P254S variant (also known as c.760C>T), located in coding exon 5 of the RECQL4 gene, results from a C to T substitution at nucleotide position 760. The proline at codon 254 is replaced by serine, an amino acid with similar properties. This amino acid position is conserved. In addition, this alteration is predicted to be tolerated by in silico analysis. Based on the available evidence, the clinical significance of this variant remains unclear.

NM_004260.4(RECQL4):c.760C>T (p.Pro254Ser)

Gene: RECQL4 (RecQ like helicase 4; minus strand). Cytogenetic location: 8q24.3.
Variant type: single nucleotide variant.
Coding change: c.760C>T on transcript NM_004260.4 (MANE Select); coding-DNA position 760, C replaced by T.
Protein change: p.Pro254Ser; replaces proline 254 with serine.
Molecular consequence: missense variant. On other transcripts: 5 prime UTR variant (17), non-coding transcript variant (3).
Genome position (GRCh38, 1-based): chr8:144,516,359, G>A on the plus strand (C>T on the coding strand, the complement: RECQL4 is on the minus strand). VCF-style: chr8-144516359-G-A. GRCh37 (hg19) VCF-style: chr8-145741743-G-A.
Other names: c.760C>T, p.Pro254Ser (NM_001413017.1, NM_001413018.1, NM_001413019.1 and 4 more transcripts); c.-312C>T (NM_001413021.1, NM_001413022.1, NM_001413023.1 and 7 more transcripts); c.631C>T, p.Pro211Ser (NM_001413025.1); c.-374C>T (NM_001413027.1, NM_001413030.1, NM_001413031.1 and 2 more transcripts); c.409C>T, p.Pro137Ser (NM_001413029.1); c.-216C>T (NM_001413034.1); c.-581C>T (NM_001413043.1); short protein forms P137S, P211S, P254S.
Identifiers: ClinVar variation 3787994 (VCV003787994.1).